The following is an entry in ClinVar:

ClinVar aggregate classification (germline): Uncertain significance. Review status: criteria provided, multiple submitters, no conflicts (2 of 4 stars). 2 submissions from 2 submitters: Uncertain significance (2). Last evaluated 2024-04-22.

Allele frequency attached by ClinVar (database versions not stated): gnomAD 0.00001; ExAC 0.00002; TOPMed 0.00001.
gnomAD v4.1: 10 of 1,612,202 alleles (0.00062%); highest among the groups gnomAD compares: Non-Finnish European, 0.00085%; no homozygotes.

Submissions (3):

GeneDx
Classification: Uncertain significance. Last evaluated: 2024-04-22. Review status: criteria provided, single submitter. Criteria: GeneDx Variant Classification Process June 2021. Collection method: clinical testing. Allele origin: germline. Affected: yes.
Comment: Not observed at significant frequency in large population cohorts (gnomAD); In silico analysis supports that this missense variant has a deleterious effect on protein structure/function; This variant is associated with the following publications: (PMID: 35337379)

Labcorp Genetics (formerly Invitae), Labcorp
Classification: Uncertain significance. Last evaluated: 2021-12-19. Review status: criteria provided, single submitter. Criteria: Invitae Variant Classification Sherloc (09022015). Collection method: clinical testing. Allele origin: germline.
Comment: In summary, the available evidence is currently insufficient to determine the role of this variant in disease. Therefore, it has been classified as a Variant of Uncertain Significance. Algorithms developed to predict the effect of missense changes on protein structure and function (SIFT, PolyPhen-2, Align-GVGD) all suggest that this variant is likely to be disruptive. This variant has not been reported in the literature in individuals affected with COL13A1-related conditions. This variant is present in population databases (rs756426858, gnomAD 0.002%). This sequence change replaces arginine, which is basic and polar, with tryptophan, which is neutral and slightly polar, at codon 675 of the COL13A1 protein (p.Arg675Trp).

Dr. Peter K. Rogan Lab, Western University
No classification provided (evidence only). Condition: Hepatocellular carcinoma. Review status: no classification provided. Collection method: in vitro. Allele origin: not applicable. Functional consequence: retained intron. Not counted in ClinVar's aggregate classification.

NM_001368882.1(COL13A1):c.2056C>T (p.Arg686Trp)

Gene: COL13A1 (collagen type XIII alpha 1 chain; plus strand). Cytogenetic location: 10q22.1.
Variant type: single nucleotide variant.
Coding change: c.2056C>T on transcript NM_001368882.1 (MANE Select); coding-DNA position 2056, C replaced by T.
Protein change: p.Arg686Trp; replaces arginine 686 with tryptophan.
Molecular consequence: missense variant.
Genome position (GRCh38, 1-based): chr10:69,947,340, C>T. VCF-style: chr10-69947340-C-T. GRCh37 (hg19) VCF-style: chr10-71707096-C-T.
Other names: c.2023C>T (NM_001130103.1); c.2023C>T, p.Arg675Trp (NM_001130103.2); c.1912C>T, p.Arg638Trp (NM_001320951.2); c.1933C>T, p.Arg645Trp (NM_001368883.1); c.1870C>T, p.Arg624Trp (NM_001368884.1); c.1834C>T, p.Arg612Trp (NM_001368885.1); c.1312C>T, p.Arg438Trp (NM_001368886.1); c.1843C>T, p.Arg615Trp (NM_001368895.1); and 8 more; short protein forms R615W, R653W, R438W, R589W, R597W, R603W, R645W, R675W.
Identifiers: ClinVar variation 1951078 (VCV001951078.6), dbSNP rs756426858, ClinGen allele CA5535073.
Genomic context (GRCh38, chr10:69,947,340, plus strand): 5'-TGCCTTTCTTCCTCTGATCTCTTGCAGGGTTTACATGGACCACCCGGGGACAAGGGAAAC[C>T]GGGTGAGTCTGAGCCCCTGCACTCGTGCTCTAGTTACTAATGTCTTCATGATGGGGTGGA-3'
Protein context (NP_001355811.1, residues 676-696): LHGPPGDKGN[Arg686Trp]GERGKKGSRG